The following is an entry in ClinVar:

NM_021831.6(AGBL5):c.1945G>A (p.Gly649Ser)

Gene: AGBL5 (AGBL carboxypeptidase 5; plus strand). Cytogenetic location: 2p23.3.
Variant type: single nucleotide variant.
Coding change: c.1945G>A on transcript NM_021831.6 (MANE Select); coding-DNA position 1945, G replaced by A.
Protein change: p.Gly649Ser; replaces glycine 649 with serine.
Molecular consequence: missense variant. On other transcripts: non-coding transcript variant (2).
Genome position (GRCh38, 1-based): chr2:27,059,260, G>A. VCF-style: chr2-27059260-G-A. GRCh37 (hg19) VCF-style: chr2-27282128-G-A.
Other names: c.1945G>A, p.Gly649Ser (NM_001035507.3); short protein forms G649S.
Identifiers: ClinVar variation 855798 (VCV000855798.7), dbSNP rs139222593, ClinGen allele CA1568023.
Genomic context (GRCh38, chr2:27,059,260, plus strand): 5'-GTCTCCTGCTCCGAAAACACCTTGAGTCGGGCACGAAGTTTTAGCACCGGCACAAGTGCC[G>A]GTGGTAGCAGCAGCAGCCAACAAAATTCTCCACAGATGAAGAATTCCCCCAGCTTTCCTT-3'
Protein context (NP_068603.4, residues 639-659): ARSFSTGTSA[Gly649Ser]GSSSSQQNSP

ClinVar aggregate classification (germline): Conflicting classifications of pathogenicity. Review status: criteria provided, conflicting classifications (1 of 4 stars). 3 submissions from 3 submitters: Uncertain significance (2); Likely benign (1). Last evaluated 2024-10-14.

Conditions:
Inborn genetic diseases. Identifiers: MedGen C0950123, MeSH D030342.

Allele frequency attached by ClinVar (database versions not stated): gnomAD exomes 0.00012 and 0.00035; gnomAD 0.00014 and 0.00016; TOPMed 0.00014; ExAC 0.00016; 1000 Genomes Project 0.00020; 1000 Genomes Project 30x 0.00031; ESP Exome Variant Server 0.00038.

Submissions (3):

Blueprint Genetics
Classification: Likely benign. Last evaluated: 2024-10-14. Review status: criteria provided, single submitter. Criteria: ACMG Guidelines, 2015. Collection method: clinical testing. Allele origin: germline.

Ambry Genetics
Classification: Uncertain significance for Inborn genetic diseases. Last evaluated: 2024-06-02. Review status: criteria provided, single submitter. Criteria: Ambry Variant Classification Scheme 2023. Collection method: clinical testing. Allele origin: germline.

Labcorp Genetics (formerly Invitae), Labcorp
Classification: Uncertain significance. Last evaluated: 2022-07-16. Review status: criteria provided, single submitter. Criteria: Invitae Variant Classification Sherloc (09022015). Collection method: clinical testing. Allele origin: germline.
Comment: This sequence change replaces glycine, which is neutral and non-polar, with serine, which is neutral and polar, at codon 649 of the AGBL5 protein (p.Gly649Ser). This variant is present in population databases (rs139222593, gnomAD 0.02%). This variant has not been reported in the literature in individuals affected with AGBL5-related conditions. ClinVar contains an entry for this variant (Variation ID: 855798). Algorithms developed to predict the effect of missense changes on protein structure and function are either unavailable or do not agree on the potential impact of this missense change (SIFT: "Deleterious"; PolyPhen-2: "Benign"; Align-GVGD: "Class C0"). In summary, the available evidence is currently insufficient to determine the role of this variant in disease. Therefore, it has been classified as a Variant of Uncertain Significance.